The following is an entry in ClinVar:

ClinVar aggregate classification (germline): Uncertain significance (1 of 4 stars; one submission).

Conditions:
Familial hemophagocytic lymphohistiocytosis 5. Also called: STXBP2-Related Familial Hemophagocytic Lymphohistiocytosis (STXBP2-fHLH). Identifiers: Orphanet 540, MedGen C2751293, MONDO:0013135, OMIM 613101.

Submission:

Labcorp Genetics (formerly Invitae), Labcorp
Classification: Uncertain significance for Familial hemophagocytic lymphohistiocytosis 5. Last evaluated: 2022-04-18. Review status: criteria provided, single submitter. Criteria: Invitae Variant Classification Sherloc (09022015). Collection method: clinical testing. Allele origin: germline.
Comment: This variant is not present in population databases (gnomAD no frequency). This sequence change falls in intron 17 of the STXBP2 gene. It does not directly change the encoded amino acid sequence of the STXBP2 protein. It affects a nucleotide within the consensus splice site. This variant has not been reported in the literature in individuals affected with STXBP2-related conditions. In summary, the available evidence is currently insufficient to determine the role of this variant in disease. Therefore, it has been classified as a Variant of Uncertain Significance. Variants that disrupt the consensus splice site are a relatively common cause of aberrant splicing (PMID: 17576681, 9536098). Algorithms developed to predict the effect of sequence changes on RNA splicing suggest that this variant is not likely to affect RNA splicing.

Literature cited by the submitters: PubMed 17576681; PubMed 9536098.

NM_006949.4(STXBP2):c.1538+6G>A

Gene: STXBP2 (syntaxin binding protein 2; plus strand). Cytogenetic location: 19p13.2.
Variant type: single nucleotide variant.
Coding change: c.1538+6G>A on transcript NM_006949.4 (MANE Select); 6 bases into the intron after coding-DNA position 1538, G replaced by A.
Molecular consequence: intron variant.
Genome position (GRCh38, 1-based): chr19:7,647,253, G>A. VCF-style: chr19-7647253-G-A. GRCh37 (hg19) VCF-style: chr19-7712139-G-A.
Other names: c.1571+6G>A (NM_001272034.2); c.1529+6G>A (NM_001127396.3).
Identifiers: ClinVar variation 1899475 (VCV001899475.5), dbSNP rs2512714639, ClinGen allele CA2580097132.